The following is an entry in ClinVar:

ClinVar aggregate classification (germline): Uncertain significance (1 of 4 stars; one submission).

Submission:

GeneDx
Classification: Uncertain significance. Last evaluated: 2024-11-14. Review status: criteria provided, single submitter. Criteria: GeneDx Variant Classification Process June 2021. Collection method: clinical testing. Allele origin: germline. Affected: yes.
Comment: Not observed at significant frequency in large population cohorts (gnomAD); In silico analysis supports that this missense variant has a deleterious effect on protein structure/function; Has not been previously published as pathogenic or benign to our knowledge

NM_014991.6(WDFY3):c.5948C>T (p.Thr1983Ile)

Gene: WDFY3 (WD repeat and FYVE domain containing 3; minus strand). Cytogenetic location: 4q21.23.
Variant type: single nucleotide variant.
Coding change: c.5948C>T on transcript NM_014991.6 (MANE Select); coding-DNA position 5948, C replaced by T.
Protein change: p.Thr1983Ile; replaces threonine 1983 with isoleucine.
Molecular consequence: missense variant.
Genome position (GRCh38, 1-based): chr4:84,751,508, G>A on the plus strand (C>T on the coding strand, the complement: WDFY3 is on the minus strand). VCF-style: chr4-84751508-G-A. GRCh37 (hg19) VCF-style: chr4-85672661-G-A.
Other names: short protein forms T1983I.
Identifiers: ClinVar variation 3899763 (VCV003899763.1).